The following is an entry in ClinVar:

ClinVar aggregate classification (germline): Pathogenic/Likely pathogenic. Review status: criteria provided, multiple submitters, no conflicts (2 of 4 stars). 4 submissions from 4 submitters: Pathogenic (1); Likely pathogenic (2). 1 of the submissions does not count toward it. Last evaluated 2024-10-02.

Conditions:
Young-onset Parkinson disease. Identifiers: Orphanet 2828, MedGen C4275179, MONDO:0017279.
Autosomal recessive early-onset Parkinson disease 23. Identifiers: Orphanet 2828, MedGen C4225186, MONDO:0014796, OMIM 616840.
Parkinson disease (PD). Identifiers: MedGen C0030567, MeSH D010300, MONDO:0005180.

Allele frequency attached by ClinVar (database versions not stated): ExAC 0.00001; ESP Exome Variant Server 0.00008; TOPMed 0.00001.
gnomAD v4.1: 34 of 1,542,714 alleles (0.0022%); highest among the groups gnomAD compares: Non-Finnish European, 0.0029%; no homozygotes.

Submissions (4):

GeneDx
Classification: Likely pathogenic. Last evaluated: 2024-10-02. Review status: criteria provided, single submitter. Criteria: GeneDx Variant Classification Process June 2021. Collection method: clinical testing. Allele origin: germline. Affected: yes.
Comment: Not observed at significant frequency in large population cohorts (gnomAD); In silico analysis indicates that this missense variant does not alter protein structure/function; Published functional studies demonstrate splicing is altered with the inclusion of 14bp from intron 37 (PMID: 26942284); This variant is associated with the following publications: (PMID: 28733970, 37991125, 34295884, 29288112, 26942284)

Laboratory for Molecular Medicine, Mass General Brigham Personalized Medicine
Classification: Likely pathogenic for Young-onset Parkinson disease. Last evaluated: 2020-08-11. Review status: criteria provided, single submitter. Criteria: ACMG Guidelines, 2015. Collection method: clinical testing. Allele origin: germline.
Comment: The p.Gly1389Arg variant in VPS13C has been reported in 1 compound heterozygous individual with Parkinson disease (Lesage 2016 PMID: 26942284) and was absent from large population studies. It has also been reported in ClinVar (Variation ID 222070). Computational prediction tools and conservation analyses suggest that this variant may impact the protein, though this information is not predictive enough to determine pathogenicity. In addition, this variant is located in the first base of the exon, which is part of the 5’ splice region. Computational tools do not predict a splicing impact; however, RNA studies using patient's lymphocytes suggest a splicing impact (Lesage 2016 PMID: 26942284). In summary, although additional studies are required to fully establish its clinical significance, this variant meets criteria to be classified as likely pathogenic for autosomal recessive parkinsonism. ACMG/AMP Criteria applied: PM2, PM3, PP3, PS3_Supporting.

Brain and Spine Institute, INSERM
Classification: Pathogenic for Parkinson disease. Last evaluated: 2015-11-16. Review status: criteria provided, single submitter. Criteria: Lesage et al. (Am J Hum Genet. 2016). Collection method: research. Allele origin: inherited. Affected: yes and no. Observed: 2 variant alleles, 1 heterozygote, 1 compound heterozygote.
Comment: recessive, early-onset, rapid progression

OMIM
Classification: Pathogenic for PARKINSON DISEASE 23, AUTOSOMAL RECESSIVE EARLY-ONSET. Last evaluated: 2019-12-20. Review status: no assertion criteria provided. Collection method: literature only. Allele origin: germline. Not counted in ClinVar's aggregate classification.

Literature cited by the submitters: PubMed 26942284 (cited by OMIM).

NM_020821.3(VPS13C):c.4165G>C (p.Gly1389Arg)

Gene: VPS13C (vacuolar protein sorting 13 homolog C; minus strand). Cytogenetic location: 15q22.2.
Variant type: single nucleotide variant.
Coding change: c.4165G>C on transcript NM_020821.3 (MANE Select); coding-DNA position 4165, G replaced by C.
Protein change: p.Gly1389Arg; replaces glycine 1389 with arginine.
Molecular consequence: missense variant.
Genome position (GRCh38, 1-based): chr15:61,958,608, C>G on the plus strand (G>C on the coding strand, the complement: VPS13C is on the minus strand). VCF-style: chr15-61958608-C-G. GRCh37 (hg19) VCF-style: chr15-62250807-C-G.
Other names: c.4165G>C, p.Gly1389Arg (NM_001018088.3); c.4036G>C, p.Gly1346Arg (NM_017684.5, NM_018080.4); short protein forms G1389R, G1346R.
Identifiers: ClinVar variation 222070 (VCV000222070.5), dbSNP rs369100678, ClinGen allele CA351343.